The following is an entry in ClinVar:

ClinVar aggregate classification (germline): Pathogenic/Likely pathogenic. Review status: criteria provided, multiple submitters, no conflicts (2 of 4 stars). 4 submissions from 4 submitters: Pathogenic (1); Likely pathogenic (3). Last evaluated 2025-04-14.

Conditions:
Hepatoencephalopathy due to combined oxidative phosphorylation defect type 1. Also called: HEPATOENCEPHALOPATHY, EARLY FATAL PROGRESSIVE. Identifiers: Orphanet 137681, MedGen C1836797, MONDO:0012191, OMIM 609060.
GFM1-related disorders.

Allele frequency attached by ClinVar (database versions not stated): TOPMed below 0.00001; gnomAD 0.00001; ExAC 0.00003.
gnomAD v4.1: 4 of 1,576,016 alleles (0.00025%); highest among the groups gnomAD compares: Middle Eastern, 0.017%; no homozygotes.

Submissions (4):

Natera, Inc.
Classification: Likely pathogenic for Combined oxidative phosphorylation deficiency 1. Last evaluated: 2025-04-14. Review status: criteria provided, single submitter. Criteria: Natera Variant Classification Schema (03/2026). Collection method: clinical testing. Allele origin: germline.
Comment: The c.69G>A variant in GFM1 is a nonsense variant predicted to introduce a stop codon at amino acid 23. This variant is expected to result in nonsense mediated decay, truncation, or a dysfunctional protein product. This variant is rare in the general population with a frequency below the threshold expected for the associated phenotype(s). Given the available evidence, this variant is classified as Likely Pathogenic.

Blueprint Genetics
Classification: Likely pathogenic for GFM1-related disorders. Last evaluated: 2024-11-23. Review status: criteria provided, single submitter. Criteria: ACMG Guidelines, 2015. Collection method: clinical testing. Allele origin: germline. Affected: yes. Observed: 3 variant alleles.

Labcorp Genetics (formerly Invitae), Labcorp
Classification: Pathogenic. Last evaluated: 2023-11-17. Review status: criteria provided, single submitter. Criteria: Invitae Variant Classification Sherloc (09022015). Collection method: clinical testing. Allele origin: germline.
Comment: This sequence change creates a premature translational stop signal (p.Trp23*) in the GFM1 gene. It is expected to result in an absent or disrupted protein product. Loss-of-function variants in GFM1 are known to be pathogenic (PMID: 16632485, 17160893). This variant is not present in population databases (gnomAD no frequency). This variant has not been reported in the literature in individuals affected with GFM1-related conditions. ClinVar contains an entry for this variant (Variation ID: 1454007). For these reasons, this variant has been classified as Pathogenic.

Baylor Genetics
Classification: Likely pathogenic for Hepatoencephalopathy due to combined oxidative phosphorylation defect type 1. Last evaluated: 2023-07-25. Review status: criteria provided, single submitter. Criteria: ACMG Guidelines, 2015. Collection method: clinical testing. Allele origin: unknown.

Literature cited by the submitters: PubMed 16632485 (cited by Labcorp Genetics (formerly Invitae), Labcorp); PubMed 17160893 (cited by Labcorp Genetics (formerly Invitae), Labcorp).

NM_024996.7(GFM1):c.69G>A (p.Trp23Ter)

Gene: GFM1 (G elongation factor mitochondrial 1; plus strand). Cytogenetic location: 3q25.32.
Variant type: single nucleotide variant.
Coding change: c.69G>A on transcript NM_024996.7 (MANE Select); coding-DNA position 69, G replaced by A.
Protein change: p.Trp23Ter; replaces tryptophan 23 with a stop codon.
Molecular consequence: nonsense. On other transcripts: 5 prime UTR variant (4), non-coding transcript variant (4).
Genome position (GRCh38, 1-based): chr3:158,644,703, G>A. VCF-style: chr3-158644703-G-A. GRCh37 (hg19) VCF-style: chr3-158362492-G-A.
Other names: c.69G>A (NM_024996.5); c.69G>A, p.Trp23Ter (NM_001308164.2, NM_001308166.2, NM_001374355.1 and 2 more transcripts); c.-323G>A (NM_001374357.1); c.-161G>A (NM_001374359.1, NM_001374360.1, NM_001374361.1); short protein forms W23*.
Identifiers: ClinVar variation 1454007 (VCV001454007.9), dbSNP rs763344414, ClinGen allele CA2682196.